The following is an entry in ClinVar:

ClinVar aggregate classification (germline): Uncertain significance (1 of 4 stars; one submission).

Allele frequency attached by ClinVar (database versions not stated): gnomAD 0.00001.
gnomAD v4.1: 6 of 1,536,510 alleles (0.00039%); highest among the groups gnomAD compares: Non-Finnish European, 0.00052%; no homozygotes.

Submission:

GeneDx
Classification: Uncertain significance. Last evaluated: 2020-09-16. Review status: criteria provided, single submitter. Criteria: GeneDx Variant Classification Process June 2021. Collection method: clinical testing. Allele origin: germline. Affected: yes.
Comment: Not observed in large population cohorts (Lek et al., 2016); In silico analysis supports that this missense variant does not alter protein structure/function; Has not been previously published as pathogenic or benign to our knowledge

NM_001367624.2(ZNF469):c.3385G>A (p.Gly1129Ser)

Gene: ZNF469 (zinc finger protein 469; plus strand). Cytogenetic location: 16q24.2.
Variant type: single nucleotide variant.
Coding change: c.3385G>A on transcript NM_001367624.2 (MANE Select); coding-DNA position 3385, G replaced by A.
Protein change: p.Gly1129Ser; replaces glycine 1129 with serine.
Molecular consequence: missense variant.
Genome position (GRCh38, 1-based): chr16:88,430,855, G>A. VCF-style: chr16-88430855-G-A. GRCh37 (hg19) VCF-style: chr16-88497263-G-A.
Other names: NM_001127464.1:c.3301G>A; short protein forms G1129S.
Identifiers: ClinVar variation 1220498 (VCV001220498.3), dbSNP rs1331444324, ClinGen allele CA397083724.